The following is an entry in ClinVar:

NM_001364905.1(LRBA):c.8017+5G>C

Gene: LRBA (LPS responsive beige-like anchor protein; minus strand). Cytogenetic location: 4q31.3.
Variant type: single nucleotide variant.
Coding change: c.8017+5G>C on transcript NM_001364905.1 (MANE Select); 5 bases into the intron after coding-DNA position 8017, G replaced by C.
Molecular consequence: intron variant.
Genome position (GRCh38, 1-based): chr4:150,302,620, C>G on the plus strand (G>C on the coding strand, the complement: LRBA is on the minus strand). VCF-style: chr4-150302620-C-G. GRCh37 (hg19) VCF-style: chr4-151223772-C-G.
Other names: NC_000004.11:g.151223772C>G; c.8032+5G>C (NM_001367550.1, NM_001440431.1); c.8050+5G>C (NM_006726.5); c.8014+8G>C (NM_001199282.3); c.8065+5G>C (NM_001440430.1); c.1735+5G>C (NM_001440432.1); c.1729+5G>C (NM_001440433.1).
Identifiers: ClinVar variation 4302869 (VCV004302869.2).
Genomic context (GRCh38, chr4:150,302,620, plus strand): 5'-TTTACTGCAAAATGTTATTCTCTACATCCTTGTAAAAGTTTACTTAAAAAATGAGTCATA[C>G]TTACTGCCTGGGTTATCTCCAATCCCACTGCATTTTCCATTCCAATACCACAGCAAAAGA-3'

ClinVar aggregate classification (germline): Uncertain significance (1 of 4 stars; one submission).

Conditions:
Combined immunodeficiency due to LRBA deficiency. Also called: Common variable immunodeficiency 8, with autoimmunity. Identifiers: Orphanet 445018, MedGen C3553512, MONDO:0013863, OMIM 614700.

gnomAD v4.1: 2 of 1,597,296 alleles (0.00013%); highest among the groups gnomAD compares: Admixed American, 0.0034%; no homozygotes.

Submissions (2):

Labcorp Genetics (formerly Invitae), Labcorp
Classification: Uncertain significance for Combined immunodeficiency due to LRBA deficiency. Last evaluated: 2025-06-15. Review status: criteria provided, single submitter. Criteria: Invitae Variant Classification Sherloc (09022015). Collection method: clinical testing. Allele origin: germline.
Comment: This sequence change falls in intron 54 of the LRBA gene. It does not directly change the encoded amino acid sequence of the LRBA protein. It affects a nucleotide within the consensus splice site. This variant is present in population databases (rs779863384, gnomAD 0.003%). This variant has not been reported in the literature in individuals affected with LRBA-related conditions. Variants that disrupt the consensus splice site are a relatively common cause of aberrant splicing (PMID: 17576681, 9536098). Algorithms developed to predict the effect of sequence changes on RNA splicing suggest that this variant may disrupt the consensus splice site. In summary, the available evidence is currently insufficient to determine the role of this variant in disease. Therefore, it has been classified as a Variant of Uncertain Significance.

Dr. Peter K. Rogan Lab, Western University
No classification provided (evidence only). Condition: Malignant tumor of urinary bladder. Review status: no classification provided. Collection method: in vitro. Allele origin: not applicable. Functional consequence: skipped exon. Not counted in ClinVar's aggregate classification.

Literature cited by the submitters: PubMed 17576681 (cited by Labcorp Genetics (formerly Invitae), Labcorp); PubMed 9536098 (cited by Labcorp Genetics (formerly Invitae), Labcorp).